The following is an entry in ClinVar:

ClinVar aggregate classification (germline): Uncertain significance. Review status: criteria provided, multiple submitters, no conflicts (2 of 4 stars). 2 submissions from 2 submitters: Uncertain significance (2). Last evaluated 2025-09-22.

Conditions:
Hereditary cancer-predisposing syndrome. Also called: Hereditary Cancer Syndrome; Tumor predisposition; Neoplastic Syndromes, Hereditary; Hereditary neoplastic syndrome. Identifiers: Orphanet 140162, MedGen C0027672, MeSH D009386, MONDO:0015356.
Neuroblastoma, susceptibility to, 3. Also called: ALK-Related Neuroblastic Tumor Susceptibility. Identifiers: Orphanet 635, MedGen C2751681, MONDO:0013083, OMIM 613014.

Allele frequency attached by ClinVar (database versions not stated): gnomAD exomes below 0.00001 and 0.00001; ExAC 0.00001; gnomAD 0.00001.
gnomAD v4.1: 13 of 1,609,170 alleles (0.00081%); highest among the groups gnomAD compares: Non-Finnish European, 0.001%; no homozygotes.

Submissions (2):

Labcorp Genetics (formerly Invitae), Labcorp
Classification: Uncertain significance for Neuroblastoma, susceptibility to, 3. Last evaluated: 2025-09-22. Review status: criteria provided, single submitter. Criteria: Invitae Variant Classification Sherloc (09022015). Collection method: clinical testing. Allele origin: germline.
Comment: This sequence change replaces glutamic acid, which is acidic and polar, with glycine, which is neutral and non-polar, at codon 1460 of the ALK protein (p.Glu1460Gly). This variant is present in population databases (rs773248596, gnomAD 0.002%). This variant has not been reported in the literature in individuals affected with ALK-related conditions. ClinVar contains an entry for this variant (Variation ID: 646803). An algorithm developed to predict the effect of missense changes on protein structure and function outputs the following: PolyPhen-2: "Benign". The glycine amino acid residue is found in multiple mammalian species, which suggests that this missense change does not adversely affect protein function. In summary, the available evidence is currently insufficient to determine the role of this variant in disease. Therefore, it has been classified as a Variant of Uncertain Significance.

Ambry Genetics
Classification: Uncertain significance for Hereditary cancer-predisposing syndrome. Last evaluated: 2024-05-16. Review status: criteria provided, single submitter. Criteria: Ambry Variant Classification Scheme 2023. Collection method: clinical testing. Allele origin: germline.
Comment: The p.E1460G variant (also known as c.4379A>G), located in coding exon 29 of the ALK gene, results from an A to G substitution at nucleotide position 4379. The glutamic acid at codon 1460 is replaced by glycine, an amino acid with similar properties. This amino acid position is conserved. In addition, this alteration is predicted to be tolerated by in silico analysis. Since supporting evidence is limited at this time, the clinical significance of this alteration remains unclear.

NM_004304.5(ALK):c.4379A>G (p.Glu1460Gly)

Gene: ALK (ALK receptor tyrosine kinase; minus strand). Cytogenetic location: 2p23.2.
Variant type: single nucleotide variant.
Coding change: c.4379A>G on transcript NM_004304.5 (MANE Select); coding-DNA position 4379, A replaced by G.
Protein change: p.Glu1460Gly; replaces glutamic acid 1460 with glycine.
Molecular consequence: missense variant.
Genome position (GRCh38, 1-based): chr2:29,193,708, T>C on the plus strand (A>G on the coding strand, the complement: ALK is on the minus strand). VCF-style: chr2-29193708-T-C. GRCh37 (hg19) VCF-style: chr2-29416574-T-C.
Other names: c.1175A>G, p.Glu392Gly (NM_001353765.2); short protein forms E1460G, E392G.
Identifiers: ClinVar variation 646803 (VCV000646803.12), dbSNP rs773248596, ClinGen allele CA1593585.
Genomic context (GRCh38, chr2:29,193,708, plus strand): 5'-AATGCCATATTCACGTGTCCCCCTTCCACGGCCGGCCCTCTAGGGACTCGAACAGAGATC[T>C]CTGCAGCTGTGGGTTTCTTTGCAGCCTTGCCAGAGGAGGTGGTAGGCAGAGGTGGTGGGG-3'
Protein context (NP_004295.2, residues 1450-1470): GKAAKKPTAA[Glu1460Gly]ISVRVPRGPA